The following is an entry in ClinVar:

ClinVar aggregate classification (germline): Uncertain significance. Review status: criteria provided, multiple submitters, no conflicts (2 of 4 stars). 3 submissions from 3 submitters: Uncertain significance (2). 1 of the submissions does not count toward it. Last evaluated 2025-07-03.

Conditions:
CEP164-related disorder. Also called: CEP164-related condition.
Nephronophthisis 15 (NPHP15). Identifiers: Orphanet 3156, MedGen C3541853, MONDO:0013917, OMIM 614845.

gnomAD v4.1: 15 of 1,613,958 alleles (0.00093%); highest among the groups gnomAD compares: East Asian, 0.029%; no homozygotes.

Submissions (3):

Labcorp Genetics (formerly Invitae), Labcorp
Classification: Uncertain significance for Nephronophthisis 15. Last evaluated: 2025-07-03. Review status: criteria provided, single submitter. Criteria: Invitae Variant Classification Sherloc (09022015). Collection method: clinical testing. Allele origin: germline.
Comment: This sequence change replaces proline, which is neutral and non-polar, with serine, which is neutral and polar, at codon 1214 of the CEP164 protein (p.Pro1214Ser). This variant is present in population databases (rs775815722, gnomAD 0.05%). This variant has not been reported in the literature in individuals affected with CEP164-related conditions. ClinVar contains an entry for this variant (Variation ID: 3355259). Invitae Evidence Modeling of protein sequence and biophysical properties (such as structural, functional, and spatial information, amino acid conservation, physicochemical variation, residue mobility, and thermodynamic stability) indicates that this missense variant is not expected to disrupt CEP164 protein function with a negative predictive value of 80%. In summary, the available evidence is currently insufficient to determine the role of this variant in disease. Therefore, it has been classified as a Variant of Uncertain Significance.

Fulgent Genetics
Classification: Uncertain significance for Nephronophthisis 15. Last evaluated: 2024-06-11. Review status: criteria provided, single submitter. Criteria: ACMG Guidelines, 2015. Collection method: clinical testing. Allele origin: germline.

PreventionGenetics, part of Exact Sciences
Classification: Uncertain significance for CEP164-related condition. Last evaluated: 2024-09-15. Review status: no assertion criteria provided. Collection method: clinical testing. Allele origin: germline. Not counted in ClinVar's aggregate classification.
Comment: The CEP164 c.3640C>T variant is predicted to result in the amino acid substitution p.Pro1214Ser. To our knowledge, this variant has not been reported in the literature. This variant is reported in 0.054% of alleles in individuals of East Asian descent in gnomAD. Although we suspect that this variant may be benign, at this time, the clinical significance of this variant is uncertain due to the absence of conclusive functional and genetic evidence.

NM_014956.5(CEP164):c.3640C>T (p.Pro1214Ser)

Gene: CEP164 (centrosomal protein 164; plus strand). Cytogenetic location: 11q23.3.
Variant type: single nucleotide variant.
Coding change: c.3640C>T on transcript NM_014956.5 (MANE Select); coding-DNA position 3640, C replaced by T.
Protein change: p.Pro1214Ser; replaces proline 1214 with serine.
Molecular consequence: missense variant.
Genome position (GRCh38, 1-based): chr11:117,408,920, C>T. VCF-style: chr11-117408920-C-T. GRCh37 (hg19) VCF-style: chr11-117279636-C-T.
Other names: c.3649C>T, p.Pro1217Ser (NM_001271933.2); short protein forms P1214S, P1217S.
Identifiers: ClinVar variation 3355259 (VCV003355259.3).
Genomic context (GRCh38, chr11:117,408,920, plus strand): 5'-TGGGTCATAACTGCTGACTTTACCCCACAGGCCTCAGATGAGGGCACTCTGGGAGGATCC[C>T]CCACCAAGAAGGCAGTAACCTTCGACCTCAGTGACATGGACAGCCTGAGCAGTGAAAGTT-3'
Protein context (NP_055771.4, residues 1204-1224): ASDEGTLGGS[Pro1214Ser]TKKAVTFDLS